The following is an entry in ClinVar:

ClinVar aggregate classification (germline): Uncertain significance. Review status: criteria provided, multiple submitters, no conflicts (2 of 4 stars). 2 submissions from 2 submitters: Uncertain significance (2). Last evaluated 2022-11-04.

Conditions:
Pelizaeus-Merzbacher disease. Also called: LEUKODYSTROPHY, HYPOMYELINATING, 1; Sudanophilic leukodystrophy; Pelizaeus-Merzbacher spectrum disorder; Pelizaeus-Merzbacher Disease (PMD); Pelizeaus-Merzbacher spectrum disorder. Identifiers: Orphanet 702, MedGen C0205711, MONDO:0010714, OMIM 312080, HP:0003269.
Hereditary spastic paraplegia 2 (SPG2). Also called: Spastic Paraplegia 2 (SPG2); SPASTIC PARAPLEGIA 2, X-LINKED. Identifiers: Orphanet 99015, MedGen C0751604, MONDO:0010733, OMIM 312920.

Submissions (2):

MVZ Medizinische Genetik Mainz
Classification: Uncertain significance for Pelizaeus-Merzbacher disease; Hereditary spastic paraplegia 2. Last evaluated: 2022-11-04. Review status: criteria provided, single submitter. Criteria: UK Practice Guidelines For Variant Classification V4 01 2020. Collection method: clinical testing. Allele origin: germline. Inheritance: X-linked recessive inheritance. Affected: yes. Observed: 1 variant allele.
Comment: PM1_SUP,PM2_SUP,PM5_SUP,PP2,PP3

Neuberg Centre For Genomic Medicine, NCGM
Classification: Uncertain significance for Pelizaeus-Merzbacher disease. Review status: criteria provided, single submitter. Criteria: ACMG Guidelines, 2015. Collection method: clinical testing. Allele origin: germline. Inheritance: X-linked recessive inheritance. Affected: yes.

NM_000533.5(PLP1):c.398A>T (p.His133Leu)

Genes: PLP1 (proteolipid protein 1; plus strand), RAB9B (RAB9B, member RAS oncogene family; minus strand). Cytogenetic location: Xq22.2.
Variant type: single nucleotide variant.
Coding change: c.398A>T on transcript NM_000533.5 (MANE Select); coding-DNA position 398, A replaced by T.
Protein change: p.His133Leu; replaces histidine 133 with leucine.
Molecular consequence: missense variant. On other transcripts: intron variant (1).
Genome position (GRCh38, 1-based): chrX:103,786,671, A>T. VCF-style: chrX-103786671-A-T. GRCh37 (hg19) VCF-style: chrX-103041600-A-T.
Other names: c.398A>T, p.His133Leu (NM_001128834.3); c.233A>T, p.His78Leu (NM_001305004.1); c.348+50A>T (NM_199478.3); short protein forms H133L, H78L.
Identifiers: ClinVar variation 3061922 (VCV003061922.1), dbSNP rs779258535, ClinGen allele CA414102853.